The following is an entry in ClinVar:

ClinVar aggregate classification (germline): Uncertain significance (1 of 4 stars; one submission).

Conditions:
Juvenile polyposis syndrome (JPS). Identifiers: Orphanet 2929, MedGen C0345893, MONDO:0017380, OMIM 174900.

Submission:

Labcorp Genetics (formerly Invitae), Labcorp
Classification: Uncertain significance for Juvenile polyposis syndrome. Last evaluated: 2020-01-18. Review status: criteria provided, single submitter. Criteria: Invitae Variant Classification Sherloc (09022015). Collection method: clinical testing. Allele origin: germline.
Comment: In summary, the available evidence is currently insufficient to determine the role of this variant in disease. Therefore, it has been classified as a Variant of Uncertain Significance. Experimental studies and prediction algorithms are not available or were not evaluated, and the functional significance of this variant is currently unknown. This variant has not been reported in the literature in individuals with BMPR1A-related conditions. This variant is not present in population databases (ExAC no frequency). This sequence change results in a frameshift in the BMPR1A gene (p.Val530Leufs*15). While this is not anticipated to result in nonsense mediated decay, it is expected to disrupt the last 3 amino acids of the BMPR1A protein and extend the protein by an additional 11 amino acids.

NM_004329.3(BMPR1A):c.1587_1588insTTAC (p.Val530fs)

Gene: BMPR1A (bone morphogenetic protein receptor type 1A; plus strand). Cytogenetic location: 10q23.2.
Variant type: Insertion.
Coding change: c.1587_1588insTTAC on transcript NM_004329.3 (MANE Select); coding-DNA positions 1587 to 1588, TTAC inserted.
Protein change: p.Val530fs; shifts the reading frame from valine 530.
Molecular consequence: frameshift variant.
Genome position: GRCh38 VCF-style: chr10-86923707-T-TTTAC. GRCh37 (hg19) VCF-style: chr10-88683464-T-TTTAC.
Other names: short protein forms V530fs.
Identifiers: ClinVar variation 1007081 (VCV001007081.8), dbSNP rs1843703874, ClinGen allele CA1925728649.